The following is an entry in ClinVar:

NM_001267550.2(TTN):c.89503+1G>T

Genes: TTN (titin; minus strand), TTN-AS1 (TTN antisense RNA 1; plus strand). Cytogenetic location: 2q31.2.
Variant type: single nucleotide variant.
Coding change: c.89503+1G>T on transcript NM_001267550.2 (MANE Select); the canonical splice donor site of the intron after coding-DNA position 89503, G replaced by T.
Molecular consequence: splice donor variant.
Genome position (GRCh38, 1-based): chr2:178,553,501, C>A on the plus strand (G>T on the coding strand, the complement: TTN is on the minus strand). VCF-style: chr2-178553501-C-A. GRCh37 (hg19) VCF-style: chr2-179418228-C-A.
Other names: c.62308+1G>T (NM_003319.4); c.62884+1G>T (NM_133437.4); c.62683+1G>T (NM_133432.3); c.81799+1G>T (NM_133378.4); c.84580+1G>T (NM_001256850.1).
Identifiers: ClinVar variation 3775618 (VCV003775618.1).

ClinVar aggregate classification (germline): Likely pathogenic (1 of 4 stars; one submission).

Conditions:
Dilated cardiomyopathy 1G (CMD1G). Identifiers: Orphanet 154, MedGen C1858763, MONDO:0011400, OMIM 604145.

Submission:

3billion
Classification: Likely pathogenic for Dilated cardiomyopathy 1G. Last evaluated: 2023-06-30. Review status: criteria provided, single submitter. Criteria: ACMG Guidelines, 2015. Collection method: clinical testing. Allele origin: germline. Affected: yes.
Comment: The variant is not observed in the gnomAD v2.1.1 dataset. Predicted Consequence/Location: Canonical splice site: predicted to alter splicing and result in a loss or disruption of normal protein function. Multiple pathogenic loss-of-function variants are reported downstream of the variant. Therefore, this variant is classified as Likely pathogenic according to the recommendation of ACMG/AMP guideline.